The following is an entry in ClinVar:

ClinVar aggregate classification (germline): Uncertain significance (1 of 4 stars; one submission).

Conditions:
Developmental and epileptic encephalopathy, 9 (DEE9). Also called: Early infantile epileptic encephalopathy 9; JUBERG-HELLMAN SYNDROME; PCDH19-Related X-Linked Female-Limited Epilepsy with Mental Retardation; EPILEPSY, FEMALE-RESTRICTED, WITH MENTAL RETARDATION. Identifiers: Orphanet 101039, Orphanet 2076, MedGen C1848137, MONDO:0010246, OMIM 300088. Disease mechanism: loss of function.

Allele frequency attached by ClinVar (database versions not stated): gnomAD exomes below 0.00001 and 0.00001; TOPMed 0.00003.
gnomAD v4.1: 3 of 1,211,377 alleles (0.00025%); highest among the groups gnomAD compares: Non-Finnish European, 0.00022%; no homozygotes.

Submission:

Labcorp Genetics (formerly Invitae), Labcorp
Classification: Uncertain significance for Developmental and epileptic encephalopathy, 9. Last evaluated: 2023-05-13. Review status: criteria provided, single submitter. Criteria: Invitae Variant Classification Sherloc (09022015). Collection method: clinical testing. Allele origin: germline.
Comment: In summary, the available evidence is currently insufficient to determine the role of this variant in disease. Therefore, it has been classified as a Variant of Uncertain Significance. Advanced modeling of protein sequence and biophysical properties (such as structural, functional, and spatial information, amino acid conservation, physicochemical variation, residue mobility, and thermodynamic stability) performed at Invitae indicates that this missense variant is not expected to disrupt PCDH19 protein function. ClinVar contains an entry for this variant (Variation ID: 1055415). This variant has not been reported in the literature in individuals affected with PCDH19-related conditions. This variant is present in population databases (no rsID available, gnomAD 0.001%). This sequence change replaces valine, which is neutral and non-polar, with isoleucine, which is neutral and non-polar, at codon 1051 of the PCDH19 protein (p.Val1051Ile).

NM_001184880.2(PCDH19):c.3151G>A (p.Val1051Ile)

Gene: PCDH19 (protocadherin 19; minus strand). Cytogenetic location: Xq22.1.
Variant type: single nucleotide variant.
Coding change: c.3151G>A on transcript NM_001184880.2 (MANE Select); coding-DNA position 3151, G replaced by A.
Protein change: p.Val1051Ile; replaces valine 1051 with isoleucine.
Molecular consequence: missense variant.
Genome position (GRCh38, 1-based): chrX:100,296,573, C>T on the plus strand (G>A on the coding strand, the complement: PCDH19 is on the minus strand). VCF-style: chrX-100296573-C-T. GRCh37 (hg19) VCF-style: chrX-99551571-C-T.
Other names: c.3010G>A, p.Val1004Ile (NM_001105243.2); c.3007G>A, p.Val1003Ile (NM_020766.3); short protein forms V1003I, V1004I, V1051I.
Identifiers: ClinVar variation 1055415 (VCV001055415.9), dbSNP rs1452527533, ClinGen allele CA414000285.